The following is an entry in ClinVar:

NM_206933.4(USH2A):c.1036A>C (p.Asn346His)

Gene: USH2A (usherin; minus strand). Cytogenetic location: 1q41.
Variant type: single nucleotide variant.
Coding change: c.1036A>C on transcript NM_206933.4 (MANE Select); coding-DNA position 1036, A replaced by C.
Protein change: p.Asn346His; replaces asparagine 346 with histidine.
Molecular consequence: missense variant.
Genome position (GRCh38, 1-based): chr1:216,325,412, T>G on the plus strand (A>C on the coding strand, the complement: USH2A is on the minus strand). VCF-style: chr1-216325412-T-G. GRCh37 (hg19) VCF-style: chr1-216498754-T-G.
Other names: NM_206933.2(USH2A):c.1036A>C(p.Asn346His); NM_206933.2(USH2A):c.1036A>C; c.1036A>C, p.Asn346His (NM_007123.6); short protein forms N346H.
Identifiers: ClinVar variation 48347 (VCV000048347.71), dbSNP rs369522997, ClinGen allele CA262054.
Genomic context (GRCh38, chr1:216,325,412, plus strand): 5'-TAAGCTGTGTAATGTTTGTAAACACATTTGAAACCCATGAAGTACCAACATCATTATCAT[T>G]GACAAAAGAGAGAGGATGGGCTTCAGGATTCAACCGTGACACTCTATTATCAGCTGTGTC-3'
Protein context (NP_996816.3, residues 336-356): NPEAHPLSFV[Asn346His]DNDVGTSWVS

ClinVar aggregate classification (germline): Pathogenic. Review status: reviewed by expert panel (3 of 4 stars). 16 submissions from 15 submitters: Pathogenic (1). 15 of the submissions do not count toward it. Last evaluated 2018-09-14.

Conditions:
Usher syndrome. Also called: Usher Syndromes; Usher's syndrome. Identifiers: Orphanet 886, MedGen CN469326, MeSH D052245, MONDO:0019501. Disease mechanism: loss of function.
USH2A-related disorder. Also called: USH2A-related disorders; USH2A-related condition. Identifiers: MedGen CN239332.
Rare genetic deafness. Identifiers: Orphanet 96210, MedGen C5680250.
Retinal dystrophy. Also called: Inherited retinal dystrophy. Identifiers: Orphanet 71862, MedGen C0854723, MeSH D058499, MONDO:0019118, HP:0000556.
Retinitis pigmentosa (RP). Identifiers: Orphanet 791, MedGen C0035334, MeSH D012174, MONDO:0019200, OMIM 268000. Inheritance: Autosomal dominant, autosomal recessive and X linked inheritance.
Usher syndrome type 2A. Also called: USHER SYNDROME, TYPE IIA; RETINAL DISEASE IN USHER SYNDROME TYPE IIA, MODIFIER OF. Identifiers: Orphanet 231178, Orphanet 886, MedGen C1848634, MONDO:0010169, OMIM 276901.
Retinitis pigmentosa 39 (RP39). Identifiers: Orphanet 791, MedGen C3151138, MONDO:0013436, OMIM 613809.

Allele frequency attached by ClinVar (database versions not stated): TOPMed 0.00003; gnomAD 0.00006; gnomAD exomes 0.00007; ESP Exome Variant Server 0.00008; ExAC 0.00010.
gnomAD v4.1: 108 of 1,613,808 alleles (0.0067%); highest among the groups gnomAD compares: Non-Finnish European, 0.0085%; no homozygotes.

Submissions 1 to 10 of 16:

ClinGen Hearing Loss Variant Curation Expert Panel
Classification: Pathogenic for Usher syndrome. Last evaluated: 2018-09-14. Review status: reviewed by expert panel. Criteria: ClinGen HL ACMG Specifications v1. Collection method: curation. Allele origin: germline. Inheritance: Autosomal recessive inheritance.
Comment: The allele frequency of the p.Asn346His variant in the USH2A gene is 0.016% (20/126318) of European (Non-Finnish) chromosomes by the Genome Aggregation Database, which is a low enough frequency to award PM2_Supporting based on the thresholds defined by the ClinGen Hearing Loss Expert Panel for autosomal recessive Usher syndrome (PM2_Supporting). The p.Asn346His variant in USH2A has been reported to segregate with hearing loss in at least 7 families including 13 family members (PP1_S; 10729113, 15241801, 17405132, 25521520, 24160897, 22135276). This variant has been detected in patients with hearing loss in trans with at least 4 pathogenic or suspected-pathogenic variants (PM3_VS; PMID: 15241801, 24160897, 22135276, 26969326). At least one patient with a variant in this gene displayed features of mild to severe hearing loss and retinitis pigmentosa (PP4; PMID: 10729113, 15241801, 17405132, 25521520, 24160897, 22135276). Computational prediction tools and conservation analysis suggest that the p.Asn346His variant may impact the protein (PP3). In summary, this variant meets criteria to be classified as pathogenic for autosomal recessive Usher syndrome based on the ACMG/AMP criteria applied, as specified by the Hearing Loss Expert Panel: PM2_Supporting, PP1_S, PM3_VS, PP4, PP3.

PreventionGenetics, part of Exact Sciences
Classification: Pathogenic for USH2A-related condition. Last evaluated: 2026-04-07. Review status: criteria provided, single submitter. Criteria: ACMG Guidelines, 2015. Collection method: clinical testing. Allele origin: germline. Not counted in ClinVar's aggregate classification.
Comment: The USH2A c.1036A>C variant is predicted to result in the amino acid substitution p.Asn346His. This variant has been reported to be causative for Usher syndrome (see for examples: Weston et al. 2000. PubMed ID: 10729113; Sadeghi et al. 2013. PubMed ID: 24160897; Pierrache et al. 2016. PubMed ID: 26927203; Wang et al. 2014. PubMed ID: 25097241). This variant is present in 0.015% of alleles in individuals of European (Non-Finnish) descent in gnomAD. This variant has been classified as pathogenic in ClinVar by the ClinGen Hearing Loss Variant Curation Expert Panel (Variation ID: 48347). This variant is interpreted as pathogenic.

Labcorp Genetics (formerly Invitae), Labcorp
Classification: Pathogenic. Last evaluated: 2026-01-29. Review status: criteria provided, single submitter. Criteria: Invitae Variant Classification Sherloc (09022015). Collection method: clinical testing. Allele origin: germline. Not counted in ClinVar's aggregate classification.
Comment: This sequence change replaces asparagine, which is neutral and polar, with histidine, which is basic and polar, at codon 346 of the USH2A protein (p.Asn346His). This variant is present in population databases (rs369522997, gnomAD 0.02%). This missense change has been observed in individual(s) with Usher syndrome or retinitis pigmentosa (PMID: 10729113, 19129697, 24160897, 25097241, 25521520, 26969326, 28559085, 29343940). In at least one individual the data is consistent with being in trans (on the opposite chromosome) from a pathogenic variant. ClinVar contains an entry for this variant (Variation ID: 48347). Invitae Evidence Modeling of protein sequence and biophysical properties (such as structural, functional, and spatial information, amino acid conservation, physicochemical variation, residue mobility, and thermodynamic stability) indicates that this missense variant is expected to disrupt USH2A protein function with a positive predictive value of 95%. For these reasons, this variant has been classified as Pathogenic.

Natera, Inc.
Classification: Pathogenic for Usher syndrome type 2A. Last evaluated: 2025-12-09. Review status: criteria provided, single submitter. Criteria: Natera Variant Classification Schema (03/2026). Collection method: clinical testing. Allele origin: germline. Not counted in ClinVar's aggregate classification.
Comment: The c.1036A>C variant in USH2A is a missense variant predicted to cause substitution of asparagine to histidine at amino acid 346. This variant is rare in the general population with a frequency below the threshold expected for the associated phenotype(s). This variant has been observed in one or more individuals affected with the associated recessive disease, as either homozygous or compound heterozygous with a second variant (PMID: 22135276). Given the available evidence, this variant is classified as Pathogenic.

Baylor Genetics
Classification: Pathogenic for Retinitis pigmentosa 39. Last evaluated: 2024-03-20. Review status: criteria provided, single submitter. Criteria: ACMG Guidelines, 2015. Collection method: clinical testing. Allele origin: unknown. Not counted in ClinVar's aggregate classification.

Blueprint Genetics
Classification: Pathogenic for USH2A-related disorders. Last evaluated: 2023-05-12. Review status: criteria provided, single submitter. Criteria: ACMG Guidelines, 2015. Collection method: clinical testing. Allele origin: germline. Affected: yes. Observed: 5 variant alleles. Not counted in ClinVar's aggregate classification.

Victorian Clinical Genetics Services, Murdoch Childrens Research Institute
Classification: Pathogenic for Usher syndrome type 2A. Last evaluated: 2022-06-24. Review status: criteria provided, single submitter. Criteria: ACMG Guidelines, 2015. Collection method: clinical testing. Allele origin: germline. Inheritance: Autosomal recessive inheritance. Affected: yes. Not counted in ClinVar's aggregate classification.
Comment: Based on the classification scheme VCGS_Germline_v1.3.4, this variant is classified as Pathogenic. Following criteria are met: 0102 - Loss of function is a known mechanism of disease in this gene and is associated with Usher syndrome type 2A (MIM#276901). (I) 0106 - This gene is associated with autosomal recessive disease. (I) 0200 - Variant is predicted to result in a missense amino acid change from asparagine to histidine. (I) 0251 - This variant is heterozygous. (I) 0304 - Variant is present in gnomAD (v2) <0.01 for a recessive condition (19 heterozygotes, 0 homozygotes). (SP) 0309 - An alternative amino acid change at the same position has been observed in gnomAD (v2) (7 heterozygotes, 0 homozygotes). (I) 0502 - Missense variant with conflicting in silico predictions and high conservation. (I) 0600 - Variant is located in the annotated lamin N-terminal domain VI (DECIPHER). (I) 0801 - This variant has strong previous evidence of pathogenicity in unrelated individuals. This variant has been reviewed as pathogenic by an expert panel in ClinVar and has been observed in many individuals with Usher syndrome (PMID: 28944237). (I) Legend: (SP) - Supporting pathogenic, (I) - Information, (SB) - Supporting benign

CeGaT Center for Human Genetics Tuebingen
Classification: Pathogenic. Last evaluated: 2022-02-01. Review status: criteria provided, single submitter. Criteria: CeGaT Center For Human Genetics Tuebingen Variant Classification Criteria Version 2. Collection method: clinical testing. Allele origin: germline. Affected: yes. Observed: 2 variant alleles. Not counted in ClinVar's aggregate classification.

Broad Center for Mendelian Genomics, Broad Institute of MIT and Harvard
Classification: Likely pathogenic for Retinitis pigmentosa. Last evaluated: 2021-04-01. Review status: criteria provided, single submitter. Criteria: ACMG Guidelines, 2015. Collection method: curation. Allele origin: germline. Inheritance: Autosomal recessive inheritance. Affected: yes. Not counted in ClinVar's aggregate classification.
Comment: Through a review of available evidence we were able to apply the following criteria: PM2, PM3, PP1, PP3, PP4. Based on this evidence we have classified this variant as Likely Pathogenic. If you have any questions about the classification please reach out to the Pierce Lab.

Institute of Human Genetics, Univ. Regensburg, Univ. Regensburg
Classification: Pathogenic for Retinal dystrophy. Last evaluated: 2021-01-01. Review status: criteria provided, single submitter. Criteria: ACMG Guidelines, 2015. Collection method: clinical testing. Allele origin: germline. Affected: yes. Not counted in ClinVar's aggregate classification.